The following is an entry in ClinVar:

NM_006295.3(VARS1):c.3522G>C (p.Gln1174His)

Gene: VARS1 (valyl-tRNA synthetase 1; minus strand). Cytogenetic location: 6p21.33.
Variant type: single nucleotide variant.
Coding change: c.3522G>C on transcript NM_006295.3 (MANE Select); coding-DNA position 3522, G replaced by C.
Protein change: p.Gln1174His; replaces glutamine 1174 with histidine.
Molecular consequence: missense variant.
Genome position (GRCh38, 1-based): chr6:31,779,171, C>G on the plus strand (G>C on the coding strand, the complement: VARS1 is on the minus strand). VCF-style: chr6-31779171-C-G. GRCh37 (hg19) VCF-style: chr6-31746948-C-G.
Other names: short protein forms Q1174H.
Identifiers: ClinVar variation 3040947 (VCV003040947.11), dbSNP rs200588763, ClinGen allele CA3722644.
Genomic context (GRCh38, chr6:31,779,171, plus strand): 5'-CAGCCCCTGAAGCTGCAGGTGGATGGAGCAGCGATCAGAAGCCAGAGCCACAGCGCAACC[C>G]TGGGGGGCGGGAGCCCCCAGGGCCAGAACAGCCACCACACCTGCGCTGGCCAGGGCCTGC-3'
Protein context (NP_006286.1, residues 1164-1184): AVLALGAPAP[Gln1174His]GCAVALASDR

ClinVar aggregate classification (germline): Likely benign. Review status: criteria provided, multiple submitters, no conflicts (2 of 4 stars). 3 submissions from 3 submitters: Likely benign (2). 1 of the submissions does not count toward it. Last evaluated 2025-08-01.

Conditions:
VARS1-related disorder. Also called: VARS1-related condition.
Inborn genetic diseases. Identifiers: MedGen C0950123, MeSH D030342.

Allele frequency attached by ClinVar (database versions not stated): ExAC 0.00051; 1000 Genomes Project 30x 0.00125; 1000 Genomes Project 0.00140; gnomAD 0.00153; TOPMed 0.00171.

Submissions (3):

CeGaT Center for Human Genetics Tuebingen
Classification: Likely benign. Last evaluated: 2025-08-01. Review status: criteria provided, single submitter. Criteria: CeGaT Center For Human Genetics Tuebingen Variant Classification Criteria Version 2. Collection method: clinical testing. Allele origin: germline. Affected: yes. Observed: 1 variant allele.
Comment: VARS1: PP2, BS2

Ambry Genetics
Classification: Likely benign for Inborn genetic diseases. Last evaluated: 2022-06-16. Review status: criteria provided, single submitter. Criteria: Ambry Variant Classification Scheme 2023. Collection method: clinical testing. Allele origin: germline.

PreventionGenetics, part of Exact Sciences
Classification: Likely benign for VARS1-related condition. Last evaluated: 2019-09-17. Review status: no assertion criteria provided. Collection method: clinical testing. Allele origin: germline. Not counted in ClinVar's aggregate classification.
Comment: This variant is classified as likely benign based on ACMG/AMP sequence variant interpretation guidelines (Richards et al. 2015 PMID: 25741868, with internal and published modifications).